The following is an entry in ClinVar:

NM_000238.4(KCNH2):c.727_729dup (p.Ser243_Ala244insSer)

Gene: KCNH2 (potassium voltage-gated channel subfamily H member 2; minus strand). Cytogenetic location: 7q36.1.
Variant type: Duplication.
Coding change: c.727_729dup on transcript NM_000238.4 (MANE Select); coding-DNA positions 727 to 729, 3 bases duplicated (AGC; older notation c.727_729dupAGC).
Protein change: p.Ser243_Ala244insSer.
Molecular consequence: inframe insertion. On other transcripts: non-coding transcript variant (1).
Genome position (GRCh38, 1-based): chr7:150,958,246-150,958,248, GCT duplicated on the plus strand (AGC on the coding strand, the reverse complement: KCNH2 is on the minus strand); duplicating any 3 consecutive bases within chr7:150,958,246-150,958,250 gives the same sequence; the c. name uses the placement nearest the transcript's 3' end. VCF-style (leftmost placement, unchanged base first): chr7-150958245-C-CGCT. GRCh37 (hg19) VCF-style: chr7-150655333-C-CGCT.
Other names: c.439_441dup, p.Ser147_Ala148insSer (NM_001406753.1, NM_001406756.1); c.550_552dup, p.Ser184_Ala185insSer (NM_001406755.1); c.427_429dup, p.Ser143_Ala144insSer (NM_001406757.1); c.727_729dup, p.Ser243_Ala244insSer (NM_172056.3).
Identifiers: ClinVar variation 4812215 (VCV004812215.1).

ClinVar aggregate classification (germline): Uncertain significance (1 of 4 stars; one submission).

Conditions:
Long QT syndrome (LQTS). Identifiers: MedGen C0023976, MeSH D008133, MONDO:0002442. Disease mechanism: loss of function. Inheritance: Various modes of inheritance.

Submission:

Labcorp Genetics (formerly Invitae), Labcorp
Classification: Uncertain significance for Long QT syndrome. Last evaluated: 2025-08-18. Review status: criteria provided, single submitter. Criteria: Invitae Variant Classification Sherloc (09022015). Collection method: clinical testing. Allele origin: germline.
Comment: This variant, c.727_729dup, results in the insertion of 1 amino acid(s) of the KCNH2 protein (p.Ser243dup), but otherwise preserves the integrity of the reading frame. This variant is not present in population databases (gnomAD no frequency). This variant has not been reported in the literature in individuals affected with KCNH2-related conditions. In summary, the available evidence is currently insufficient to determine the role of this variant in disease. Therefore, it has been classified as a Variant of Uncertain Significance.